The following is an entry in ClinVar:

NM_004937.3(CTNS):c.382C>T (p.Gln128Ter)

Genes: CTNS (cystinosin, lysosomal cystine transporter; plus strand), CTNS-AS1 (CTNS antisense RNA 1; minus strand). Cytogenetic location: 17p13.2.
Variant type: single nucleotide variant.
Coding change: c.382C>T on transcript NM_004937.3 (MANE Select); coding-DNA position 382, C replaced by T.
Protein change: p.Gln128Ter; replaces glutamine 128 with a stop codon.
Molecular consequence: nonsense. On other transcripts: 5 prime UTR variant (4).
Genome position (GRCh38, 1-based): chr17:3,655,273, C>T. VCF-style: chr17-3655273-C-T. GRCh37 (hg19) VCF-style: chr17-3558567-C-T.
Other names: c.382C>T, p.Gln128Ter (NM_001031681.3, NM_001374492.1); c.-60C>T (NM_001374493.1, NM_001374494.1, NM_001374495.1 and 1 more transcripts); short protein forms Q128*.
Identifiers: ClinVar variation 267306 (VCV000267306.16), dbSNP rs550254092, ClinGen allele CA10590106.
Genomic context (GRCh38, chr17:3,655,273, plus strand): 5'-CTTTCCAGCCCGAGGATACGCTTTCTTGTGATCCGCAGCAGCGCCATTAGCATCATAAAC[C>T]AGGTGATTGGCTGGATCTACTTTGTGGCCTGGTCCATCTCCTTCTACCCTCAGGTGATCA-3'

ClinVar aggregate classification (germline): Pathogenic/Likely pathogenic. Review status: criteria provided, multiple submitters, no conflicts (2 of 4 stars). 6 submissions from 6 submitters: Pathogenic (4); Likely pathogenic (1). 1 of the submissions does not count toward it. Last evaluated 2026-01-27.

Conditions:
CTNS-related disorder. Also called: CTNS-related condition.
Cystinosis. Also called: Cystine diathesis; Cystine storage disease; Cystinoses. Identifiers: Orphanet 213, MedGen C4316899, MONDO:0016239.
Ocular cystinosis. Also called: Non-Nephropathic (Ocular) Cystinosis; Non-Nephropathic Cystinosis. Identifiers: Orphanet 213, Orphanet 411641, MedGen C2931013, MONDO:0009064, OMIM 219750.
Juvenile nephropathic cystinosis. Also called: Later-Onset (Juvenile) Cystinosis; CYSTINOSIS, LATE-ONSET JUVENILE OR ADOLESCENT NEPHROPATHIC TYPE; Intermediate Cystinosis. Identifiers: Orphanet 213, Orphanet 411634, MedGen C0268626, MONDO:0009066, OMIM 219900.
Inborn genetic diseases. Identifiers: MedGen C0950123, MeSH D030342.
Nephropathic cystinosis (CTNS). Also called: CYSTINOSIN, DEFECT OF; LYSOSOMAL CYSTINE TRANSPORT PROTEIN, DEFECT OF; Abderhalden Lignac Kaufmann disease; Abderhalden-Kaufmann-Lignac syndrome. Identifiers: Orphanet 213, Orphanet 411629, MedGen C2931187, MONDO:0100151, OMIM 219800.

Submissions (6):

Dasa
Classification: Pathogenic. Last evaluated: 2026-01-27. Review status: criteria provided, single submitter. Criteria: DASA Assertion Criteria. Collection method: clinical testing. Allele origin: germline.
Comment: NM_004937.3(CTNS):c.382C>T (p.Gln128*) introduces a premature termination codon predicted to result in loss of normal protein function. Loss-of-function is an established mechanism of disease for this gene. This variant has been recurrently observed in affected individuals with related phenotype in a genotype context consistent with recessive disease (PMID: 36553645; PMID: 9792862). The variant is present at low frequency in population datasets. Based on the available data, this variant is classified as pathogenic.

3billion
Classification: Pathogenic for CTNS-related disorder. Last evaluated: 2025-06-17. Review status: criteria provided, single submitter. Criteria: ACMG Guidelines, 2015. Collection method: clinical testing. Allele origin: germline. Affected: yes.
Comment: The variant is not observed in the gnomAD v4.1.0 dataset. Predicted Consequence/Location: Stop-gained (nonsense): predicted to result in a loss or disruption of normal protein function through nonsense-mediated decay (NMD) or protein truncation. Multiple pathogenic variants are reported downstream of the variant. The variant has been reported at least twice as pathogenic without evidence for the classification (ClinVar ID: VCV000267306 /PMID: 9537412). Therefore, this variant is classified as Pathogenic according to the recommendation of ACMG/AMP guideline.

Labcorp Genetics (formerly Invitae), Labcorp
Classification: Pathogenic for Inborn genetic diseases; Ocular cystinosis; Juvenile nephropathic cystinosis. Last evaluated: 2022-08-27. Review status: criteria provided, single submitter. Criteria: Invitae Variant Classification Sherloc (09022015). Collection method: clinical testing. Allele origin: germline.
Comment: ClinVar contains an entry for this variant (Variation ID: 267306). This premature translational stop signal has been observed in individual(s) with cystinosis (PMID: 9537412). This variant is not present in population databases (gnomAD no frequency). This sequence change creates a premature translational stop signal (p.Gln128*) in the CTNS gene. It is expected to result in an absent or disrupted protein product. Loss-of-function variants in CTNS are known to be pathogenic (PMID: 9537412, 27102039). Algorithms developed to predict the effect of sequence changes on RNA splicing suggest that this variant may disrupt the consensus splice site. For these reasons, this variant has been classified as Pathogenic.

Mendelics
Classification: Pathogenic for Nephropathic cystinosis. Last evaluated: 2019-05-28. Review status: criteria provided, single submitter. Criteria: Mendelics Assertion Criteria 2017. Collection method: clinical testing. Allele origin: unknown.

Women's Health and Genetics/Laboratory Corporation of America, LabCorp
Classification: Likely pathogenic for Cystinosis. Last evaluated: 2018-11-05. Review status: criteria provided, single submitter. Criteria: LabCorp Variant Classification Summary - May 2015. Collection method: clinical testing. Allele origin: germline.
Comment: Variant summary: CTNS c.382C>T (p.Gln128X) results in a premature termination codon, predicted to cause a truncation of the encoded protein or absence of the protein due to nonsense mediated decay, which are commonly known mechanisms for disease. A truncation downstream of this position have been classified as pathogenic by our laboratory (c.646dupA (p.Thr216fsX12)). The variant was absent in 246268 control chromosomes (gnomAD). The variant, c.382C>T, has been reported in the literature in individuals affected with Cystinosis (Shotelersuk 1998, Town 1998, and Alcantara-Ortigoza 2013). These data indicate that the variant is likely associated with disease. To our knowledge, no experimental evidence demonstrating an impact on protein function has been reported. One database has submitted an assessment for this variant to ClinVar after 2014 without evidence for independent evaluation and classified the variant as pathogenic. Based on the evidence outlined above, the variant was classified as likely pathogenic.

GeneReviews
No classification provided. Condition: Cystinosis. Review status: no classification provided. Collection method: literature only. Allele origin: germline. Affected: yes. Not counted in ClinVar's aggregate classification.

Literature cited by the submitters: PubMed 36553645 (cited by Dasa); PubMed 9792862 (cited by Dasa and Women's Health and Genetics/Laboratory Corporation of America, LabCorp); PubMed 9537412 (cited by 3 submitters); PubMed 27102039 (cited by Labcorp Genetics (formerly Invitae), Labcorp); PubMed 27625850 (cited by Women's Health and Genetics/Laboratory Corporation of America, LabCorp); NCBI Bookshelf NBK1400 (cited by GeneReviews).